The following is an entry in ClinVar:

ClinVar aggregate classification (germline): Benign (0 of 4 stars; one submission).

Conditions:
EFCAB13-related disorder. Also called: EFCAB13-related condition.

Allele frequency attached by ClinVar (database versions not stated): ESP Exome Variant Server 0.03978; TOPMed 0.04363; gnomAD 0.05202; ExAC 0.07433; 1000 Genomes Project 30x 0.08635; 1000 Genomes Project 0.09165.

Submissions (7):

PreventionGenetics, part of Exact Sciences
Classification: Benign for EFCAB13-related condition. Last evaluated: 2019-02-19. Review status: no assertion criteria provided. Collection method: clinical testing. Allele origin: germline.
Comment: This variant is classified as benign based on ACMG/AMP sequence variant interpretation guidelines (Richards et al. 2015 PMID: 25741868, with internal and published modifications).

Dr. Peter K. Rogan Lab, Western University
No classification provided (evidence only). Condition: Acute myeloid leukemia. Review status: no classification provided. Collection method: in vitro. Allele origin: not applicable. Functional consequence: retained intron. Not counted in ClinVar's aggregate classification.

Dr. Peter K. Rogan Lab, Western University
No classification provided (evidence only). Condition: Uterine corpus endometrial carcinoma. Review status: no classification provided. Collection method: in vitro. Allele origin: not applicable. Functional consequence: retained intron. Not counted in ClinVar's aggregate classification.

Dr. Peter K. Rogan Lab, Western University
No classification provided (evidence only). Condition: Nonpapillary renal cell carcinoma. Review status: no classification provided. Collection method: in vitro. Allele origin: not applicable. Functional consequence: retained intron. Not counted in ClinVar's aggregate classification.

Dr. Peter K. Rogan Lab, Western University
No classification provided (evidence only). Condition: Nonpapillary renal cell carcinoma. Review status: no classification provided. Collection method: in vitro. Allele origin: not applicable. Functional consequence: retained intron. Not counted in ClinVar's aggregate classification.

Dr. Peter K. Rogan Lab, Western University
No classification provided (evidence only). Condition: Adrenocortical carcinoma, hereditary. Review status: no classification provided. Collection method: in vitro. Allele origin: not applicable. Functional consequence: retained intron. Not counted in ClinVar's aggregate classification.

Dr. Peter K. Rogan Lab, Western University
No classification provided (evidence only). Condition: Uterine carcinosarcoma. Review status: no classification provided. Collection method: in vitro. Allele origin: not applicable. Functional consequence: retained intron. Not counted in ClinVar's aggregate classification.

NM_152347.5(EFCAB13):c.631C>T (p.Arg211Ter)

Gene: EFCAB13 (EF-hand calcium binding domain 13; plus strand). Cytogenetic location: 17q21.32.
Variant type: single nucleotide variant.
Coding change: c.631C>T on transcript NM_152347.5 (MANE Select); coding-DNA position 631, C replaced by T.
Protein change: p.Arg211Ter; replaces arginine 211 with a stop codon.
Molecular consequence: nonsense. On other transcripts: intron variant (1).
Genome position (GRCh38, 1-based): chr17:47,347,921, C>T. VCF-style: chr17-47347921-C-T. GRCh37 (hg19) VCF-style: chr17-45425287-C-T.
Other names: NC_000017.10:g.45425287C>T; c.631C>T, p.Arg211Ter (NM_001426585.1, NM_001426587.1); c.*2806C>T (NM_001426591.1, NM_001426592.1, NM_001426593.1); c.517+2823C>T (NM_001195192.2); short protein forms R211*.
Identifiers: ClinVar variation 3059359 (VCV003059359.3), dbSNP rs71377306, ClinGen allele CA8623733.